The following is an entry in ClinVar:

NM_001039591.3(USP9X):c.1028T>C (p.Leu343Ser)

Gene: USP9X (ubiquitin specific peptidase 9 X-linked; plus strand). Cytogenetic location: Xp11.4.
Variant type: single nucleotide variant.
Coding change: c.1028T>C on transcript NM_001039591.3 (MANE Select); coding-DNA position 1028, T replaced by C.
Protein change: p.Leu343Ser; replaces leucine 343 with serine.
Molecular consequence: missense variant.
Genome position (GRCh38, 1-based): chrX:41,141,298, T>C. VCF-style: chrX-41141298-T-C. GRCh37 (hg19) VCF-style: chrX-41000551-T-C.
Other names: c.1028T>C, p.Leu343Ser (NM_001410748.1, NM_001410749.1, NM_001039590.3); short protein forms L343S.
Identifiers: ClinVar variation 3382218 (VCV003382218.2).

ClinVar aggregate classification (germline): Likely pathogenic (1 of 4 stars; one submission).

Conditions:
Intellectual developmental disorder, X-linked 99. Also called: Intellectual disability, X-linked 99. Identifiers: Orphanet 777, MedGen C3806746, MONDO:0010487, OMIM 300919.

Submission:

Juno Genomics, Hangzhou Juno Genomics, Inc
Classification: Likely pathogenic for Intellectual developmental disorder, X-linked 99. Review status: criteria provided, single submitter. Criteria: ACMG Guidelines, 2015. Collection method: clinical testing. Allele origin: germline. Affected: yes.
Comment: Absent from controls (or at extremely low frequency if recessive) in Genome Aggregation Database, Exome Sequencing Project, 1000 Genomes Project, or Exome Aggregation Consortium.;Missense variant in a gene that has a low rate of benign missense variation and where missense variants are a common mechanism of disease.;Located in a mutational hot spot and/or critical and well-established functional domain (e.g. active site of an enzyme) without benign variation.;Multiple lines of computational evidence support a deleterious effect on the gene or gene product (conservation, evolutionary, splicing impact, etc).;Assumed de novo, but without confirmation of paternity and maternity.